The following is an entry in ClinVar:

ClinVar aggregate classification (germline): Uncertain significance (1 of 4 stars; one submission).

Submission:

Dasa
Classification: Uncertain significance. Last evaluated: 2024-06-19. Review status: criteria provided, single submitter. Criteria: DASA Assertion Criteria. Collection method: clinical testing. Allele origin: germline.
Comment: NM_001165963.4(SCN1A):c.214A>T (p.Met72Leu) is a missense variant that results in the substitution of methionine with leucine. This variant is absent from population databases. The currently available literature and clinical evidence are not sufficient to establish a definitive association between this variant and the reported condition. Therefore, this variant is classified as a variant of uncertain significance.

NM_001165963.4(SCN1A):c.214A>T (p.Met72Leu)

Gene: SCN1A (sodium voltage-gated channel alpha subunit 1; minus strand). Cytogenetic location: 2q24.3.
Variant type: single nucleotide variant.
Coding change: c.214A>T on transcript NM_001165963.4 (MANE Select); coding-DNA position 214, A replaced by T.
Protein change: p.Met72Leu; replaces methionine 72 with leucine.
Molecular consequence: missense variant. On other transcripts: non-coding transcript variant (1), 5 prime UTR variant (1).
Genome position (GRCh38, 1-based): chr2:166,073,408, T>A on the plus strand (A>T on the coding strand, the complement: SCN1A is on the minus strand). VCF-style: chr2-166073408-T-A. GRCh37 (hg19) VCF-style: chr2-166929918-T-A.
Other names: c.214A>T, p.Met72Leu (NM_006920.6, NM_001165964.3, NM_001202435.3 and 10 more transcripts); c.-2212A>T (NM_001353961.2); short protein forms M72L.
Identifiers: ClinVar variation 4881914 (VCV004881914.2).